The following is an entry in ClinVar:

ClinVar aggregate classification (germline): Pathogenic/Likely pathogenic. Review status: criteria provided, multiple submitters, no conflicts (2 of 4 stars). 6 submissions from 6 submitters: Pathogenic (3); Likely pathogenic (2). 1 of the submissions does not count toward it. Last evaluated 2024-11-21.

Conditions:
TRIM32-related disorder. Also called: TRIM32-related condition.
Bardet-Biedl syndrome (BBS). Identifiers: Orphanet 110, MedGen C0752166, MONDO:0015229.
Bardet-Biedl syndrome 11 (BBS11). Identifiers: MONDO:0014439, OMIM 615988, Orphanet 110, MedGen C1859569.
Sarcotubular myopathy (LGMDR8). Also called: MUSCULAR DYSTROPHY, LIMB-GIRDLE, AUTOSOMAL RECESSIVE 8; Limb-girdle muscular dystrophy, type 2H; Autosomal recessive limb-girdle muscular dystrophy type 2H; Hutterite type of muscular dystrophy. Identifiers: Orphanet 1878, MedGen C0270968, MONDO:0009683, OMIM 254110.

Submissions (6):

Labcorp Genetics (formerly Invitae), Labcorp
Classification: Pathogenic for Bardet-Biedl syndrome. Last evaluated: 2024-11-21. Review status: criteria provided, single submitter. Criteria: Invitae Variant Classification Sherloc (09022015). Collection method: clinical testing. Allele origin: germline.
Comment: This sequence change creates a premature translational stop signal (p.Cys521Valfs*13) in the TRIM32 gene. While this is not anticipated to result in nonsense mediated decay, it is expected to disrupt the last 133 amino acid(s) of the TRIM32 protein. This variant is not present in population databases (gnomAD no frequency). This premature translational stop signal has been observed in individual(s) with limb-girdle muscular dystrophy (PMID: 17994549, 19492423). In at least one individual the data is consistent with being in trans (on the opposite chromosome) from a pathogenic variant. It has also been observed to segregate with disease in related individuals. This variant is also known as c.1559delC (p.T520TfsX13). ClinVar contains an entry for this variant (Variation ID: 7352). This variant disrupts a region of the TRIM32 protein in which other variant(s) (p.Val591Met) have been determined to be pathogenic (PMID: 30823891). This suggests that this is a clinically significant region of the protein, and that variants that disrupt it are likely to be disease-causing. For these reasons, this variant has been classified as Pathogenic.

Blueprint Genetics
Classification: Pathogenic for TRIM32-related disorders. Last evaluated: 2024-09-17. Review status: criteria provided, single submitter. Criteria: ACMG Guidelines, 2015. Collection method: clinical testing. Allele origin: germline. Affected: yes. Observed: 3 variant alleles.

Fulgent Genetics
Classification: Likely pathogenic for Sarcotubular myopathy; Bardet-Biedl syndrome 11. Last evaluated: 2022-03-09. Review status: criteria provided, single submitter. Criteria: ACMG Guidelines, 2015. Collection method: clinical testing. Allele origin: unknown.

Revvity Omics, Revvity
Classification: Pathogenic. Last evaluated: 2019-12-26. Review status: criteria provided, single submitter. Criteria: ACMG Guidelines, 2015. Collection method: clinical testing. Allele origin: germline.

Centre for Mendelian Genomics, University Medical Centre Ljubljana
Classification: Likely pathogenic for Bardet-Biedl syndrome 11. Last evaluated: 2019-08-13. Review status: criteria provided, single submitter. Criteria: ACMG Guidelines, 2015. Collection method: clinical testing. Allele origin: unknown. Affected: yes.
Comment: This variant was classified as: Likely pathogenic. The following ACMG criteria were applied in classifying this variant: PVS1,PM2.

OMIM
Classification: Pathogenic for MUSCULAR DYSTROPHY, LIMB-GIRDLE, AUTOSOMAL RECESSIVE 8. Last evaluated: 2008-02-01. Review status: no assertion criteria provided. Collection method: literature only. Allele origin: germline. Not counted in ClinVar's aggregate classification.

Literature cited by the submitters: PubMed 17994549 (cited by Labcorp Genetics (formerly Invitae), Labcorp and OMIM); PubMed 19492423 (cited by Labcorp Genetics (formerly Invitae), Labcorp); PubMed 30823891 (cited by Labcorp Genetics (formerly Invitae), Labcorp).

NM_012210.4(TRIM32):c.1560del (p.Cys521fs)

Genes: ASTN2 (astrotactin 2; minus strand), TRIM32 (tripartite motif containing 32; plus strand). Cytogenetic location: 9q33.1.
Variant type: Deletion.
Coding change: c.1560del on transcript NM_012210.4 (MANE Select); coding-DNA position 1560, one base deleted (C; older notation c.1560delC).
Protein change: p.Cys521fs; shifts the reading frame from cysteine 521.
Molecular consequence: frameshift variant. On other transcripts: intron variant (3).
Genome position (GRCh38, 1-based): chr9:116,699,302, C deleted; the last of 2 consecutive C bases (chr9:116,699,301-116,699,302); deleting either gives the same sequence. VCF-style (leftmost placement, unchanged base first): chr9-116699300-AC-A. GRCh37 (hg19) VCF-style: chr9-119461579-AC-A.
Other names: c.1560del, p.Cys521fs (NM_001099679.2, NM_001379048.1, NM_001379049.1 and 1 more transcripts); c.1560delC, p.Cys521Valfs (NM_012210.3); c.2653+26470del (NM_014010.5); c.2794+26470del (NM_001365069.1); c.2806+26470del (NM_001365068.1); short protein forms C521fs.
Identifiers: ClinVar variation 7352 (VCV000007352.13), dbSNP rs1588218453, ClinGen allele CA913184853.
Genomic context (GRCh38, chr9:116,699,300, plus strand): 5'-CGAGGATCAGGGGTGGTCAAATACAGCTGCCTATGTAGTGCTGTGCGGCCCAAATTTGTC[AC>A]CTGTGATGCTGAGGGCACCGTCTACTTCACCCAGGGCTTAGGCCTCAATCTGGAGAATCG-3'